The following is an entry in ClinVar:

ClinVar aggregate classification (germline): Uncertain significance (1 of 4 stars; one submission).

Conditions:
Cardiovascular phenotype. Identifiers: MedGen CN230736.

gnomAD v4.1: 3 of 1,613,010 alleles (0.00019%); highest among the groups gnomAD compares: Non-Finnish European, 0.00025%; no homozygotes.

Submission:

Ambry Genetics
Classification: Uncertain significance for Cardiovascular phenotype. Last evaluated: 2025-08-20. Review status: criteria provided, single submitter. Criteria: Ambry Variant Classification Scheme 2023. Collection method: clinical testing. Allele origin: germline.
Comment: The p.A341D variant (also known as c.1022C>A), located in coding exon 7 of the LDB3 gene, results from a C to A substitution at nucleotide position 1022. The alanine at codon 341 is replaced by aspartic acid, an amino acid with dissimilar properties. This amino acid position is conserved. In addition, this alteration is predicted to be tolerated by in silico analysis. Based on the available evidence, the clinical significance of this variant remains unclear.

NM_007078.3(LDB3):c.1022C>A (p.Ala341Asp)

Gene: LDB3 (LIM domain binding 3; plus strand). Cytogenetic location: 10q23.2.
Variant type: single nucleotide variant.
Coding change: c.1022C>A on transcript NM_007078.3 (MANE Select); coding-DNA position 1022, C replaced by A.
Protein change: p.Ala341Asp; replaces alanine 341 with aspartic acid.
Molecular consequence: missense variant. On other transcripts: intron variant (4).
Genome position (GRCh38, 1-based): chr10:86,706,656, C>A. VCF-style: chr10-86706656-C-A. GRCh37 (hg19) VCF-style: chr10-88466413-C-A.
Other names: c.881C>A, p.Ala294Asp (NM_001368066.1); c.897-3249C>A (NM_001368064.1, NM_001368065.1); c.1101-3249C>A (NM_001171610.2); c.756-3249C>A (NM_001080114.2); short protein forms A341D, A294D.
Identifiers: ClinVar variation 4097082 (VCV004097082.1).